The following is an entry in ClinVar:

ClinVar aggregate classification (germline): Uncertain significance (1 of 4 stars; one submission).

Conditions:
Familial thoracic aortic aneurysm and aortic dissection (TAAD). Also called: Thoracic aortic aneurysms and dissections. Identifiers: Orphanet 91387, MedGen C4707243, MONDO:0019625.

Submission:

Color Diagnostics, LLC DBA Color Health
Classification: Uncertain significance for Familial thoracic aortic aneurysm and aortic dissection. Last evaluated: 2025-07-08. Review status: criteria provided, single submitter. Criteria: ACMG Guidelines, 2015. Collection method: clinical testing. Allele origin: germline.
Comment: This variant is located in the MYH11 protein. To our knowledge, functional studies have not been reported for this variant. This variant has not been reported in individuals affected with MYH11-related disorders in the literature. This variant has not been identified in the general population by the Genome Aggregation Database (gnomAD). The available evidence is insufficient to determine the role of this variant in disease conclusively. Therefore, this variant is classified as a Variant of Uncertain Significance.

NM_002474.3(MYH11):c.3651G>A (p.Arg1217=)

Gene: MYH11 (myosin heavy chain 11; minus strand). Cytogenetic location: 16p13.11.
Variant type: single nucleotide variant.
Coding change: c.3651G>A on transcript NM_002474.3 (MANE Select); coding-DNA position 3651, G replaced by A.
Protein change: p.Arg1217=; no amino-acid change (arginine 1217 retained).
Molecular consequence: synonymous variant.
Genome position (GRCh38, 1-based): chr16:15,732,564, C>T on the plus strand (G>A on the coding strand, the complement: MYH11 is on the minus strand). VCF-style: chr16-15732564-C-T. GRCh37 (hg19) VCF-style: chr16-15826421-C-T.
Other names: c.3672G>A, p.Arg1224= (NM_001040113.2, NM_001040114.2); c.3651G>A, p.Arg1217= (NM_022844.3).
Identifiers: ClinVar variation 4756668 (VCV004756668.1).